The following is an entry in ClinVar:

Conditions:
Breast-ovarian cancer, familial, susceptibility to, 1 (BROVCA1). Also called: BRCA1 Hereditary Breast and Ovarian Cancer; OVARIAN CANCER, SUSCEPTIBILITY TO. Identifiers: Orphanet 145, MedGen C2676676, MONDO:0011450, OMIM 604370. Disease mechanism: loss of function.

Submission:

Brotman Baty Institute, University of Washington
No classification provided (evidence only). Condition: Breast-ovarian cancer, familial 1. Review status: no classification provided. Collection method: in vitro. Allele origin: not applicable. Functional consequence: functionally_normal.
ClinVar note: "not provided" was previously submitted as the classification for the variant. However, the classification appeared to be based only on an observation of functional data so it was converted to no classification on 2025-07-30.

NM_007294.4(BRCA1):c.293G>A (p.Gly98Asp)

Gene: BRCA1 (BRCA1 DNA repair associated; minus strand). Cytogenetic location: 17q21.31.
Variant type: single nucleotide variant.
Coding change: c.293G>A on transcript NM_007294.4 (MANE Select); coding-DNA position 293, G replaced by A.
Protein change: p.Gly98Asp; replaces glycine 98 with aspartic acid.
Molecular consequence: missense variant. On other transcripts: non-coding transcript variant (1).
Genome position (GRCh38, 1-based): chr17:43,104,876, C>T on the plus strand (G>A on the coding strand, the complement: BRCA1 is on the minus strand). VCF-style: chr17-43104876-C-T. GRCh37 (hg19) VCF-style: chr17-41256893-C-T.
Other names: c.152G>A, p.Gly51Asp (NM_001408452.1, NM_001408453.1, NM_001408454.1 and 99 more transcripts); c.293G>A, p.Gly98Asp (NM_001408472.1, NM_001408473.1, NM_001408494.1 and 165 more transcripts); c.215G>A, p.Gly72Asp (NM_001408474.1, NM_001408475.1, NM_001408476.1 and 21 more transcripts); c.83G>A, p.Gly28Asp (NM_001408478.1, NM_001408479.1, NM_001408480.1 and 58 more transcripts); c.-89G>A (NM_001407959.1, NM_001407960.1, NM_001407962.1 and 4 more transcripts); c.161G>A, p.Gly54Asp (NM_001408451.1); short protein forms G51D, G98D, G28D, G54D, G72D.
Identifiers: ClinVar variation 865641 (VCV000865641.3), dbSNP rs2054671671, ClinGen allele CA10601570.